The following is an entry in ClinVar:

NM_001267550.2(TTN):c.102329G>C (p.Arg34110Pro)

Genes: TTN-AS1 (TTN antisense RNA 1; plus strand), TTN (titin; minus strand). Cytogenetic location: 2q31.2.
Variant type: single nucleotide variant.
Coding change: c.102329G>C on transcript NM_001267550.2 (MANE Select); coding-DNA position 102329, G replaced by C.
Protein change: p.Arg34110Pro; replaces arginine 34110 with proline.
Molecular consequence: missense variant.
Genome position (GRCh38, 1-based): chr2:178,534,286, C>G on the plus strand (G>C on the coding strand, the complement: TTN is on the minus strand). VCF-style: chr2-178534286-C-G. GRCh37 (hg19) VCF-style: chr2-179399013-C-G.
Other names: p.Arg32469Pro; c.97406G>C, p.Arg32469Pro (NM_001256850.1); c.75134G>C, p.Arg25045Pro (NM_003319.4); c.94625G>C, p.Arg31542Pro (NM_133378.4); c.75509G>C, p.Arg25170Pro (NM_133432.3); c.75710G>C, p.Arg25237Pro (NM_133437.4); short protein forms R34110P, R25237P, R32469P, R25170P, R25045P, R31542P.
Identifiers: ClinVar variation 466701 (VCV000466701.8), dbSNP rs565347600, ClinGen allele CA349417871.

ClinVar aggregate classification (germline): Uncertain significance. Review status: criteria provided, multiple submitters, no conflicts (2 of 4 stars). 2 submissions from 2 submitters: Uncertain significance (2). Last evaluated 2023-11-03.

Conditions:
Autosomal recessive limb-girdle muscular dystrophy type 2J (LGMDR10). Also called: Limb-girdle muscular dystrophy, type 2J; MUSCULAR DYSTROPHY, LIMB-GIRDLE, AUTOSOMAL RECESSIVE 10. Identifiers: Orphanet 140922, MedGen C1837342, MONDO:0012127, OMIM 608807.
Dilated cardiomyopathy 1G (CMD1G). Identifiers: Orphanet 154, MedGen C1858763, MONDO:0011400, OMIM 604145.

Submissions (2):

Mayo Clinic Laboratories, Mayo Clinic
Classification: Uncertain significance. Last evaluated: 2023-11-03. Review status: criteria provided, single submitter. Criteria: ACMG Guidelines, 2015. Collection method: clinical testing. Allele origin: germline. Observed: 1 variant allele.
Comment: PM2

Labcorp Genetics (formerly Invitae), Labcorp
Classification: Uncertain significance for Dilated cardiomyopathy 1G; Autosomal recessive limb-girdle muscular dystrophy type 2J. Last evaluated: 2017-02-13. Review status: criteria provided, single submitter. Criteria: Invitae Variant Classification Sherloc (09022015). Collection method: clinical testing. Allele origin: germline.
Comment: Algorithms developed to predict the effect of missense changes on protein structure and function are unavailable for the TTN gene. This variant identified in the TTN gene is located in the M band of the resulting protein (PMID: 25589632). It is unclear how this variant impacts the function of this protein. This variant is not present in population databases (ExAC no frequency) and has not been reported in the literature in individuals with a TTN-related disease. In summary, this variant is a novel missense change with unknown impact on protein function. Missense variants in this region of the TTN gene are typically not causative for cardiac disease, but may be relevant for neuromuscular disorders. However, the available evidence is currently insufficient to determine this variant’s role in disease. Therefore, it has been classified as a Variant of Uncertain Significance This sequence change replaces arginine with proline at codon 34110 of the TTN protein (p.Arg34110Pro). There is a moderate physicochemical difference between arginine and proline.

Literature cited by the submitters: PubMed 31983221 (cited by Mayo Clinic Laboratories, Mayo Clinic); PubMed 37188302 (cited by Mayo Clinic Laboratories, Mayo Clinic); PubMed 25589632 (cited by Labcorp Genetics (formerly Invitae), Labcorp).